The following is an entry in ClinVar:

NM_004813.4(PEX16):c.319G>A (p.Val107Met)

Gene: PEX16 (peroxisomal biogenesis factor 16; minus strand). Cytogenetic location: 11p11.2.
Variant type: single nucleotide variant.
Coding change: c.319G>A on transcript NM_004813.4 (MANE Select); coding-DNA position 319, G replaced by A.
Protein change: p.Val107Met; replaces valine 107 with methionine.
Molecular consequence: missense variant.
Genome position (GRCh38, 1-based): chr11:45,915,743, C>T on the plus strand (G>A on the coding strand, the complement: PEX16 is on the minus strand). VCF-style: chr11-45915743-C-T. GRCh37 (hg19) VCF-style: chr11-45937294-C-T.
Other names: c.319G>A, p.Val107Met (NM_057174.3); short protein forms V107M.
Identifiers: ClinVar variation 1955999 (VCV001955999.2), dbSNP rs17856002, ClinGen allele CA5960019.
Genomic context (GRCh38, chr11:45,915,743, plus strand): 5'-TCTCCACAATCCCAACCTACTTGGCCAGCTGGACGAGGGCGATGACAAGCCAGCGGCCCA[C>T]TTCACCCCACACCTTGGCAGCTCCCATCTCCATGAACACCTCCACGCACTCCAGCACGCT-3'
Protein context (NP_004804.2, residues 97-117): EMGAAKVWGE[Val107Met]GRWLVIALVQ

ClinVar aggregate classification (germline): Uncertain significance (1 of 4 stars; one submission).

Conditions:
Peroxisome biogenesis disorder. Identifiers: Orphanet 79189, MedGen C1832200, MONDO:0019234. Disease mechanism: loss of function.

Allele frequency attached by ClinVar (database versions not stated): ExAC 0.00001; gnomAD exomes 0.00001.
gnomAD v4.1: 5 of 1,614,126 alleles (0.00031%); highest among the groups gnomAD compares: Admixed American, 0.0017%; no homozygotes.

Submission:

Labcorp Genetics (formerly Invitae), Labcorp
Classification: Uncertain significance for Peroxisome biogenesis disorder. Last evaluated: 2022-01-01. Review status: criteria provided, single submitter. Criteria: Invitae Variant Classification Sherloc (09022015). Collection method: clinical testing. Allele origin: germline.
Comment: This sequence change replaces valine, which is neutral and non-polar, with methionine, which is neutral and non-polar, at codon 107 of the PEX16 protein (p.Val107Met). This variant is present in population databases (rs17856002, gnomAD 0.01%). This variant has not been reported in the literature in individuals affected with PEX16-related conditions. Algorithms developed to predict the effect of missense changes on protein structure and function output the following: SIFT: "Tolerated"; PolyPhen-2: "Benign"; Align-GVGD: "Class C0". The methionine amino acid residue is found in multiple mammalian species, which suggests that this missense change does not adversely affect protein function. In summary, the available evidence is currently insufficient to determine the role of this variant in disease. Therefore, it has been classified as a Variant of Uncertain Significance.